The following is an entry in ClinVar:

ClinVar aggregate classification (germline): Likely pathogenic (1 of 4 stars; one submission).

Conditions:
Holocarboxylase synthetase deficiency. Also called: MULTIPLE CARBOXYLASE DEFICIENCY, EARLY ONSET. Identifiers: Orphanet 79242, MedGen C0268581, MONDO:0009666, OMIM 253270.

Submission:

Myriad Genetics, Inc.
Classification: Likely pathogenic for Holocarboxylase synthetase deficiency. Last evaluated: 2019-05-01. Review status: criteria provided, single submitter. Criteria: Myriad Women's Health Autosomal Recessive and X-Linked Classification Criteria (2019). Collection method: clinical testing. Allele origin: unknown.
Comment: NM_000411.6(HLCS):c.1201C>T(Q401*) is expected to be pathogenic in the context of holocarboxylase synthetase deficiency. This variant is predicted to lead to an abnormal or absent protein product due to the creation of a premature termination codon in HLCS, a gene where loss-of-function variants are known to be pathogenic. Please note: this variant was assessed in the context of healthy population screening.

NM_001352514.2(HLCS):c.1642C>T (p.Gln548Ter)

Gene: HLCS (holocarboxylase synthetase; minus strand). Cytogenetic location: 21q22.13.
Variant type: single nucleotide variant.
Coding change: c.1642C>T on transcript NM_001352514.2 (MANE Select); coding-DNA position 1642, C replaced by T.
Protein change: p.Gln548Ter; replaces glutamine 548 with a stop codon.
Molecular consequence: nonsense. On other transcripts: non-coding transcript variant (2).
Genome position (GRCh38, 1-based): chr21:36,897,110, G>A on the plus strand (C>T on the coding strand, the complement: HLCS is on the minus strand). VCF-style: chr21-36897110-G-A. GRCh37 (hg19) VCF-style: chr21-38269410-G-A.
Other names: c.1201C>T, p.Gln401Ter (NM_000411.8, NM_001242784.3, NM_001242785.2 and 4 more transcripts); short protein forms Q401*, Q548*.
Identifiers: ClinVar variation 984053 (VCV000984053.3), dbSNP rs2065045000, ClinGen allele CA409966789.